The following is an entry in ClinVar:

ClinVar aggregate classification (germline): Uncertain significance (1 of 4 stars; one submission).

Conditions:
Capillary malformation-arteriovenous malformation syndrome. Also called: Capillary malformation-arteriovenous malformation. Identifiers: Orphanet 137667, MedGen C1842180, MONDO:0012016.

Submission:

Labcorp Genetics (formerly Invitae), Labcorp
Classification: Uncertain significance for Capillary malformation-arteriovenous malformation syndrome. Last evaluated: 2026-01-16. Review status: criteria provided, single submitter. Criteria: Invitae Variant Classification Sherloc (09022015). Collection method: clinical testing. Allele origin: germline.
Comment: This variant, c.285_305dup, results in the insertion of 7 amino acid(s) of the RASA1 protein (p.Ala100_Ala106dup), but otherwise preserves the integrity of the reading frame. This variant is present in population databases (rs745572583, gnomAD 0.02%). This variant has not been reported in the literature in individuals affected with RASA1-related conditions. In summary, the available evidence is currently insufficient to determine the role of this variant in disease. Therefore, it has been classified as a Variant of Uncertain Significance.

NM_002890.3(RASA1):c.285_305dup (p.Ala106_Val107insAlaGlyValAlaGlyAlaAla)

Gene: RASA1 (RAS p21 protein activator 1; plus strand). Cytogenetic location: 5q14.3.
Variant type: Duplication.
Coding change: c.285_305dup on transcript NM_002890.3 (MANE Select); coding-DNA positions 285 to 305, 21 bases duplicated (AGCTGGTGCTGCTGCTGGCGT).
Protein change: p.Ala106_Val107insAlaGlyValAlaGlyAlaAla.
Genome position (GRCh38, 1-based): chr5:87,268,736-87,268,756, AGCTGGTGCTGCTGCTGGCGT duplicated; duplicating any 21 consecutive bases within chr5:87,268,723-87,268,756 gives the same sequence; the c. name uses the placement nearest the transcript's 3' end. VCF-style (leftmost placement, unchanged base first): chr5-87268722-A-ACTGCTGCTGGCGTAGCTGGTG. GRCh37 (hg19) VCF-style: chr5-86564539-A-ACTGCTGCTGGCGTAGCTGGTG.
Identifiers: ClinVar variation 4780500 (VCV004780500.1).